The following is an entry in ClinVar:

NM_004629.2(FANCG):c.824_825del (p.Glu275fs)

Gene: FANCG (FA complementation group G; minus strand). Cytogenetic location: 9p13.3.
Variant type: Microsatellite.
Coding change: c.824_825del on transcript NM_004629.2 (MANE Select); coding-DNA positions 824 to 825, 2 bases deleted (AG; older notation c.824_825delAG).
Protein change: p.Glu275fs; shifts the reading frame from glutamic acid 275.
Molecular consequence: frameshift variant.
Genome position (GRCh38, 1-based): chr9:35,076,823-35,076,824, CT deleted on the plus strand (AG on the coding strand, the reverse complement: FANCG is on the minus strand); deleting any 2 consecutive bases within chr9:35,076,823-35,076,826 gives the same sequence; the c. name uses the placement nearest the transcript's 3' end. VCF-style (leftmost placement, unchanged base first): chr9-35076822-CCT-C. GRCh37 (hg19) VCF-style: chr9-35076819-CCT-C.
Other names: short protein forms E275fs.
Identifiers: ClinVar variation 845992 (VCV000845992.7), dbSNP rs867467817, ClinGen allele CA192694503.

ClinVar aggregate classification (germline): Pathogenic (1 of 4 stars; one submission).

Conditions:
Fanconi anemia (FA). Also called: Fanconi's anemia. Identifiers: Orphanet 84, MedGen C0015625, MeSH D005199, MONDO:0019391.

Submission:

Labcorp Genetics (formerly Invitae), Labcorp
Classification: Pathogenic for Fanconi anemia. Last evaluated: 2024-04-18. Review status: criteria provided, single submitter. Criteria: Invitae Variant Classification Sherloc (09022015). Collection method: clinical testing. Allele origin: germline.
Comment: This sequence change creates a premature translational stop signal (p.Glu275Glyfs*13) in the FANCG gene. It is expected to result in an absent or disrupted protein product. Loss-of-function variants in FANCG are known to be pathogenic (PMID: 12552564). This variant is not present in population databases (gnomAD no frequency). This variant has not been reported in the literature in individuals affected with FANCG-related conditions. ClinVar contains an entry for this variant (Variation ID: 845992). Algorithms developed to predict the effect of sequence changes on RNA splicing suggest that this variant may disrupt the consensus splice site. For these reasons, this variant has been classified as Pathogenic.

Literature cited by the submitters: PubMed 12552564.